The following is an entry in ClinVar:

ClinVar aggregate classification (germline): Conflicting classifications of pathogenicity. Review status: criteria provided, conflicting classifications (1 of 4 stars). 5 submissions from 5 submitters: Uncertain significance (3); Benign (1). 1 of the submissions does not count toward it. Last evaluated 2026-01-06.

Conditions:
TMPRSS3-related disorder. Also called: TMPRSS3-related condition.
Autosomal recessive nonsyndromic hearing loss 8 (DFNB8). Also called: NEUROSENSORY NONSYNDROMIC RECESSIVE DEAFNESS 8; Deafness, autosomal recessive 10. Identifiers: Orphanet 90636, MedGen C1832827, MONDO:0010987, OMIM 601072.

Allele frequency attached by ClinVar (database versions not stated): gnomAD exomes 0.00008 and 0.00025; ExAC 0.00032; 1000 Genomes Project 0.00040; 1000 Genomes Project 30x 0.00078; gnomAD 0.00098 and 0.00109; ESP Exome Variant Server 0.00100; TOPMed 0.00120.
gnomAD v4.1: 283 of 1,614,204 alleles (0.018%); highest among the groups gnomAD compares: African/African-American, 0.33%; no homozygotes.

Submissions (5):

Labcorp Genetics (formerly Invitae), Labcorp
Classification: Benign. Last evaluated: 2026-01-06. Review status: criteria provided, single submitter. Criteria: Invitae Variant Classification Sherloc (09022015). Collection method: clinical testing. Allele origin: germline.

CeGaT Center for Human Genetics Tuebingen
Classification: Uncertain significance. Last evaluated: 2025-09-01. Review status: criteria provided, single submitter. Criteria: CeGaT Center For Human Genetics Tuebingen Variant Classification Criteria Version 2. Collection method: clinical testing. Allele origin: germline. Affected: yes. Observed: 1 variant allele.
Comment: TMPRSS3: PM2, BP4

Eurofins Ntd Llc (ga)
Classification: Uncertain significance. Last evaluated: 2018-06-20. Review status: criteria provided, single submitter. Criteria: EGL ClinVar v180209 classification definitions. Collection method: clinical testing. Allele origin: germline. Observed: 1 variant allele, 1 heterozygote.

Illumina Laboratory Services, Illumina
Classification: Uncertain significance for Autosomal recessive nonsyndromic hearing loss 8. Last evaluated: 2018-01-13. Review status: criteria provided, single submitter. Criteria: ICSL Variant Classification Criteria 13 December 2019. Collection method: clinical testing. Allele origin: germline.

PreventionGenetics, part of Exact Sciences
Classification: Likely benign for TMPRSS3-related condition. Last evaluated: 2023-11-13. Review status: no assertion criteria provided. Collection method: clinical testing. Allele origin: germline. Not counted in ClinVar's aggregate classification.
Comment: This variant is classified as likely benign based on ACMG/AMP sequence variant interpretation guidelines (Richards et al. 2015 PMID: 25741868, with internal and published modifications).

NM_001256317.3(TMPRSS3):c.715T>C (p.Tyr239His)

Gene: TMPRSS3 (transmembrane serine protease 3; minus strand). Cytogenetic location: 21q22.3.
Variant type: single nucleotide variant.
Coding change: c.715T>C on transcript NM_001256317.3 (MANE Select); coding-DNA position 715, T replaced by C.
Protein change: p.Tyr239His; replaces tyrosine 239 with histidine.
Molecular consequence: missense variant.
Genome position (GRCh38, 1-based): chr21:42,383,100, A>G on the plus strand (T>C on the coding strand, the complement: TMPRSS3 is on the minus strand). VCF-style: chr21-42383100-A-G. GRCh37 (hg19) VCF-style: chr21-43803209-A-G.
Other names: c.715T>C, p.Tyr239His (NM_024022.4, NM_032405.2); c.334T>C, p.Tyr112His (NM_032404.3); short protein forms Y239H, Y112H.
Identifiers: ClinVar variation 340059 (VCV000340059.25), dbSNP rs149001183, ClinGen allele CA10042492.